The following is an entry in ClinVar:

NM_015057.5(MYCBP2):c.2047del (p.Phe682_Val683insTer)

Gene: MYCBP2 (MYC binding protein 2; minus strand). Cytogenetic location: 13q22.3.
Variant type: Deletion.
Coding change: c.2047del on transcript NM_015057.5 (MANE Select); coding-DNA position 2047, one base deleted (G; older notation c.2047delG).
Protein change: p.Phe682_Val683insTer.
Molecular consequence: nonsense.
Genome position (GRCh38, 1-based): chr13:77,257,800, C deleted on the plus strand (G on the coding strand, the reverse complement: MYCBP2 is on the minus strand). VCF-style (leftmost placement, unchanged base first): chr13-77257799-AC-A. GRCh37 (hg19) VCF-style: chr13-77831934-AC-A.
Identifiers: ClinVar variation 3297266 (VCV003297266.1).

ClinVar aggregate classification (germline): Uncertain significance (1 of 4 stars; one submission).

Conditions:
Inborn genetic diseases. Identifiers: MedGen C0950123, MeSH D030342.

Submission:

Ambry Genetics
Classification: Uncertain significance for Inborn genetic diseases. Last evaluated: 2024-05-20. Review status: criteria provided, single submitter. Criteria: Ambry Variant Classification Scheme 2023. Collection method: clinical testing. Allele origin: germline.
Comment: The c.2047delG (p.V683*) alteration, located in coding exon 14 of the MYCBP2 gene, consists of a deletion of one nucleotide at position 2047, causing a translational frameshift with a predicted alternate stop codon at amino acid position 683. This alteration is expected to result in premature protein truncation or nonsense-mediated mRNA decay. However, loss of function of MYCBP2 has not been established as a mechanism of disease. This variant was not reported in population-based cohorts in the Genome Aggregation Database (gnomAD). Based on insufficient or conflicting evidence, the clinical significance of this alteration remains unclear.